The following is an entry in ClinVar:

NM_000245.4(MET):c.851T>C (p.Ile284Thr)

Gene: MET (MET proto-oncogene, receptor tyrosine kinase; plus strand). Cytogenetic location: 7q31.2.
Variant type: single nucleotide variant.
Coding change: c.851T>C on transcript NM_000245.4 (MANE Select); coding-DNA position 851, T replaced by C.
Protein change: p.Ile284Thr; replaces isoleucine 284 with threonine.
Molecular consequence: missense variant. On other transcripts: intron variant (1).
Genome position (GRCh38, 1-based): chr7:116,699,935, T>C. VCF-style: chr7-116699935-T-C. GRCh37 (hg19) VCF-style: chr7-116339989-T-C.
Other names: c.851T>C, p.Ile284Thr (NM_001127500.3, NM_001324401.3); c.-91+27358T>C (NM_001324402.2); short protein forms I284T.
Identifiers: ClinVar variation 1346858 (VCV001346858.8), dbSNP rs2116599526, ClinGen allele CA368969991.

ClinVar aggregate classification (germline): Uncertain significance (1 of 4 stars; one submission).

Conditions:
Renal cell carcinoma. Identifiers: Orphanet 217071, MedGen C0007134, MeSH D002292, MONDO:0005086, HP:0005584.

Submission:

Labcorp Genetics (formerly Invitae), Labcorp
Classification: Uncertain significance for Renal cell carcinoma. Last evaluated: 2020-11-13. Review status: criteria provided, single submitter. Criteria: Invitae Variant Classification Sherloc (09022015). Collection method: clinical testing. Allele origin: germline.
Comment: This sequence change replaces isoleucine with threonine at codon 284 of the MET protein (p.Ile284Thr). The isoleucine residue is weakly conserved and there is a moderate physicochemical difference between isoleucine and threonine. This variant is not present in population databases (ExAC no frequency). This variant has not been reported in the literature in individuals with MET-related conditions. Algorithms developed to predict the effect of missense changes on protein structure and function (SIFT, PolyPhen-2, Align-GVGD) all suggest that this variant is likely to be tolerated, but these predictions have not been confirmed by published functional studies and their clinical significance is uncertain. In summary, the available evidence is currently insufficient to determine the role of this variant in disease. Therefore, it has been classified as a Variant of Uncertain Significance.